The following is an entry in ClinVar:

NM_012414.4(RAB3GAP2):c.3526G>A (p.Val1176Met)

Gene: RAB3GAP2 (RAB3 GTPase activating non-catalytic protein subunit 2; minus strand). Cytogenetic location: 1q41.
Variant type: single nucleotide variant.
Coding change: c.3526G>A on transcript NM_012414.4 (MANE Select); coding-DNA position 3526, G replaced by A.
Protein change: p.Val1176Met; replaces valine 1176 with methionine.
Molecular consequence: missense variant.
Genome position (GRCh38, 1-based): chr1:220,157,299, C>T on the plus strand (G>A on the coding strand, the complement: RAB3GAP2 is on the minus strand). VCF-style: chr1-220157299-C-T. GRCh37 (hg19) VCF-style: chr1-220330641-C-T.
Other names: c.3526G>A (NM_012414.3); short protein forms V1176M.
Identifiers: ClinVar variation 1394882 (VCV001394882.9), dbSNP rs754940777, ClinGen allele CA1402111.

ClinVar aggregate classification (germline): Uncertain significance. Review status: criteria provided, multiple submitters, no conflicts (2 of 4 stars). 2 submissions from 2 submitters: Uncertain significance (2). Last evaluated 2025-12-22.

Conditions:
Warburg micro syndrome 2 (WARBM2). Also called: MICRO SYNDROME 2. Identifiers: Orphanet 2510, MedGen C3280214, MONDO:0013641, OMIM 614225.
Martsolf syndrome (MARTS). Also called: Congenital cataract with intellectual disability and hypogonadotropic hypogonadism syndrome. Identifiers: Orphanet 1387, MedGen C0796037, MONDO:0023910.
Inborn genetic diseases. Identifiers: MedGen C0950123, MeSH D030342.

Allele frequency attached by ClinVar (database versions not stated): ExAC 0.00001; gnomAD exomes 0.00001.
gnomAD v4.1: 16 of 1,613,878 alleles (0.00099%); highest among the groups gnomAD compares: South Asian, 0.0044%; no homozygotes.

Submissions (2):

Ambry Genetics
Classification: Uncertain significance for Inborn genetic diseases. Last evaluated: 2025-12-22. Review status: criteria provided, single submitter. Criteria: Ambry Variant Classification Scheme 2023. Collection method: clinical testing. Allele origin: germline.

Labcorp Genetics (formerly Invitae), Labcorp
Classification: Uncertain significance for Martsolf syndrome; Warburg micro syndrome 2. Last evaluated: 2025-10-26. Review status: criteria provided, single submitter. Criteria: Invitae Variant Classification Sherloc (09022015). Collection method: clinical testing. Allele origin: germline.
Comment: This sequence change replaces valine, which is neutral and non-polar, with methionine, which is neutral and non-polar, at codon 1176 of the RAB3GAP2 protein (p.Val1176Met). This variant is present in population databases (rs754940777, gnomAD 0.006%). This variant has not been reported in the literature in individuals affected with RAB3GAP2-related conditions. ClinVar contains an entry for this variant (Variation ID: 1394882). Invitae Evidence Modeling of protein sequence and biophysical properties (such as structural, functional, and spatial information, amino acid conservation, physicochemical variation, residue mobility, and thermodynamic stability) indicates that this missense variant is not expected to disrupt RAB3GAP2 protein function with a negative predictive value of 80%. In summary, the available evidence is currently insufficient to determine the role of this variant in disease. Therefore, it has been classified as a Variant of Uncertain Significance.